The following is an entry in ClinVar:

ClinVar aggregate classification (germline): Likely pathogenic. Review status: criteria provided, multiple submitters, no conflicts (2 of 4 stars). 3 submissions from 3 submitters: Likely pathogenic (3). Last evaluated 2023-12-26.

Conditions:
Dilated cardiomyopathy 1G (CMD1G). Identifiers: Orphanet 154, MedGen C1858763, MONDO:0011400, OMIM 604145.
Autosomal recessive limb-girdle muscular dystrophy type 2J (LGMDR10). Also called: Limb-girdle muscular dystrophy, type 2J; MUSCULAR DYSTROPHY, LIMB-GIRDLE, AUTOSOMAL RECESSIVE 10. Identifiers: Orphanet 140922, MedGen C1837342, MONDO:0012127, OMIM 608807.
Cardiomyopathy (CMYO). Also called: Cardiomyopathies. Identifiers: Orphanet 167848, MedGen C0878544, MONDO:0004994, HP:0001638. Inheritance: Various modes of inheritance.

gnomAD v4.1: 1 of 1,613,400 alleles (0.000062%); highest among the groups gnomAD compares: Non-Finnish European, 0.000085%; no homozygotes.

Submissions (3):

Labcorp Genetics (formerly Invitae), Labcorp
Classification: Likely pathogenic for Dilated cardiomyopathy 1G; Autosomal recessive limb-girdle muscular dystrophy type 2J. Last evaluated: 2023-12-26. Review status: criteria provided, single submitter. Criteria: Invitae Variant Classification Sherloc (09022015). Collection method: clinical testing. Allele origin: germline.
Comment: This sequence change creates a premature translational stop signal (p.Gln23127*) in the TTN gene. While this is not anticipated to result in nonsense mediated decay, it is expected to create a truncated TTN protein. This variant is not present in population databases (gnomAD no frequency). This variant has not been reported in the literature in individuals affected with TTN-related conditions. ClinVar contains an entry for this variant (Variation ID: 2010882). Algorithms developed to predict the effect of sequence changes on RNA splicing suggest that this variant may disrupt the consensus splice site. This variant is located in the A band of TTN (PMID: 25589632). Truncating variants in this region are significantly overrepresented in patients affected with dilated cardiomyopathy (PMID: 25589632). Truncating variants in this region have also been reported in individuals affected with autosomal recessive centronuclear myopathy (PMID: 23975875). In summary, the currently available evidence indicates that the variant is pathogenic, but additional data are needed to prove that conclusively. Therefore, this variant has been classified as Likely Pathogenic.

Clinical Genetics Laboratory, Skane University Hospital Lund
Classification: Likely pathogenic. Last evaluated: 2023-09-27. Review status: criteria provided, single submitter. Criteria: ACMG Guidelines, 2015. Collection method: clinical testing. Allele origin: germline. Affected: yes.

CHEO Genetics Diagnostic Laboratory, Children's Hospital of Eastern Ontario
Classification: Likely pathogenic for Cardiomyopathy. Last evaluated: 2021-08-20. Review status: criteria provided, single submitter. Criteria: ACMG Guidelines, 2015. Collection method: clinical testing. Allele origin: germline.

Literature cited by the submitters: PubMed 25589632 (cited by Labcorp Genetics (formerly Invitae), Labcorp); PubMed 23975875 (cited by Labcorp Genetics (formerly Invitae), Labcorp).

NM_001267550.2(TTN):c.69379C>T (p.Gln23127Ter)

Genes: TTN (titin; minus strand), TTN-AS1 (TTN antisense RNA 1; plus strand). Cytogenetic location: 2q31.2.
Variant type: single nucleotide variant.
Coding change: c.69379C>T on transcript NM_001267550.2 (MANE Select); coding-DNA position 69379, C replaced by T.
Protein change: p.Gln23127Ter; replaces glutamine 23127 with a stop codon.
Molecular consequence: nonsense.
Genome position (GRCh38, 1-based): chr2:178,576,956, G>A on the plus strand (C>T on the coding strand, the complement: TTN is on the minus strand). VCF-style: chr2-178576956-G-A. GRCh37 (hg19) VCF-style: chr2-179441683-G-A.
Other names: c.64456C>T, p.Gln21486Ter (NM_001256850.1); c.42184C>T, p.Gln14062Ter (NM_003319.4); c.61675C>T, p.Gln20559Ter (NM_133378.4); c.42559C>T, p.Gln14187Ter (NM_133432.3); c.42760C>T, p.Gln14254Ter (NM_133437.4); short protein forms Q14062*, Q14187*, Q14254*, Q20559*, Q21486*, Q23127*.
Identifiers: ClinVar variation 2010882 (VCV002010882.7), dbSNP rs953796748, ClinGen allele CA349668843.